The following is an entry in ClinVar:

ClinVar aggregate classification (germline): Likely benign. Review status: criteria provided, multiple submitters, no conflicts (2 of 4 stars). 4 submissions from 4 submitters: Likely benign (3). 1 of the submissions does not count toward it. Last evaluated 2026-01-06.

Conditions:
PRKG1-related disorder. Also called: PRKG1-related condition.
Aortic aneurysm, familial thoracic 8 (AAT8). Identifiers: MedGen C3809513, MONDO:0014187, OMIM 615436.
Familial thoracic aortic aneurysm and aortic dissection (TAAD). Also called: Thoracic aortic aneurysms and dissections. Identifiers: Orphanet 91387, MedGen C4707243, MONDO:0019625.

Allele frequency attached by ClinVar (database versions not stated): gnomAD exomes 0.00001 and 0.00002; TOPMed 0.00003; gnomAD 0.00004.
gnomAD v4.1: 33 of 1,612,506 alleles (0.002%); highest among the groups gnomAD compares: Non-Finnish European, 0.0027%; no homozygotes.

Submissions (4):

Labcorp Genetics (formerly Invitae), Labcorp
Classification: Likely benign for Aortic aneurysm, familial thoracic 8. Last evaluated: 2026-01-06. Review status: criteria provided, single submitter. Criteria: Invitae Variant Classification Sherloc (09022015). Collection method: clinical testing. Allele origin: germline.

Blueprint Genetics
Classification: Likely benign. Last evaluated: 2024-11-25. Review status: criteria provided, single submitter. Criteria: ACMG Guidelines, 2015. Collection method: clinical testing. Allele origin: germline.

Ambry Genetics
Classification: Likely benign for Familial thoracic aortic aneurysm and aortic dissection. Last evaluated: 2020-02-14. Review status: criteria provided, single submitter. Criteria: Ambry Variant Classification Scheme 2023. Collection method: clinical testing. Allele origin: germline.

PreventionGenetics, part of Exact Sciences
Classification: Likely benign for PRKG1-related condition. Last evaluated: 2021-09-07. Review status: no assertion criteria provided. Collection method: clinical testing. Allele origin: germline. Not counted in ClinVar's aggregate classification.
Comment: This variant is classified as likely benign based on ACMG/AMP sequence variant interpretation guidelines (Richards et al. 2015 PMID: 25741868, with internal and published modifications).

NM_006258.4(PRKG1):c.570T>C (p.Cys190=)

Gene: PRKG1 (protein kinase cGMP-dependent 1; plus strand). Cytogenetic location: 10q21.1.
Variant type: single nucleotide variant.
Coding change: c.570T>C on transcript NM_006258.4 (MANE Select); coding-DNA position 570, T replaced by C.
Protein change: p.Cys190=; no amino-acid change (cysteine 190 retained).
Molecular consequence: synonymous variant.
Genome position (GRCh38, 1-based): chr10:51,467,814, T>C. VCF-style: chr10-51467814-T-C. GRCh37 (hg19) VCF-style: chr10-53227574-T-C.
Other names: c.525T>C, p.Cys175= (NM_001098512.3); c.570T>C, p.Cys190= (NM_001374782.1).
Identifiers: ClinVar variation 697107 (VCV000697107.13), dbSNP rs1277664864, ClinGen allele CA469496777.